The following is an entry in ClinVar:

ClinVar aggregate classification (germline): Likely pathogenic (1 of 4 stars; one submission).

gnomAD v4.1: 2 of 1,419,774 alleles (0.00014%); highest among the groups gnomAD compares: East Asian, 0.0032%; no homozygotes.

Submission:

Labcorp Genetics (formerly Invitae), Labcorp
Classification: Likely pathogenic. Last evaluated: 2024-01-29. Review status: criteria provided, single submitter. Criteria: Invitae Variant Classification Sherloc (09022015). Collection method: clinical testing. Allele origin: germline.
Comment: This sequence change affects a donor splice site in intron 1 of the PRCD gene. It is expected to disrupt RNA splicing. Variants that disrupt the donor or acceptor splice site typically lead to a loss of protein function (PMID: 16199547), and loss-of-function variants in PRCD are known to be pathogenic (PMID: 16938425, 20507925, 23805042, 28181551). The frequency data for this variant in the population databases is considered unreliable, as metrics indicate poor data quality at this position in the gnomAD database. This variant has not been reported in the literature in individuals affected with PRCD-related conditions. Algorithms developed to predict the effect of sequence changes on RNA splicing suggest that this variant may disrupt the consensus splice site. In summary, the currently available evidence indicates that the variant is pathogenic, but additional data are needed to prove that conclusively. Therefore, this variant has been classified as Likely Pathogenic.

Literature cited by the submitters: PubMed 16199547; PubMed 16938425; PubMed 20507925; PubMed 23805042; PubMed 28181551.

NM_001077620.3(PRCD):c.74+2T>C

Genes: CYGB (cytoglobin; minus strand), PRCD (photoreceptor disc component; plus strand). Cytogenetic location: 17q25.1.
Variant type: single nucleotide variant.
Coding change: c.74+2T>C on transcript NM_001077620.3 (MANE Select); the canonical splice donor site of the intron after coding-DNA position 74, T replaced by C.
Molecular consequence: splice donor variant.
Genome position (GRCh38, 1-based): chr17:76,540,217, T>C. VCF-style: chr17-76540217-T-C. GRCh37 (hg19) VCF-style: chr17-74536299-T-C.
Identifiers: ClinVar variation 3637386 (VCV003637386.2).